The following is an entry in ClinVar:

NM_021625.5(TRPV4):c.446T>A (p.Phe149Tyr)

Gene: TRPV4 (transient receptor potential cation channel subfamily V member 4; minus strand). Cytogenetic location: 12q24.11.
Variant type: single nucleotide variant.
Coding change: c.446T>A on transcript NM_021625.5 (MANE Select); coding-DNA position 446, T replaced by A.
Protein change: p.Phe149Tyr; replaces phenylalanine 149 with tyrosine.
Molecular consequence: missense variant.
Genome position (GRCh38, 1-based): chr12:109,808,409, A>T on the plus strand (T>A on the coding strand, the complement: TRPV4 is on the minus strand). VCF-style: chr12-109808409-A-T. GRCh37 (hg19) VCF-style: chr12-110246214-A-T.
Other names: c.446T>A, p.Phe149Tyr (NM_001177428.2, NM_001177433.2, NM_147204.3); c.344T>A, p.Phe115Tyr (NM_001177431.2); short protein forms F115Y, F149Y.
Identifiers: ClinVar variation 2870400 (VCV002870400.3), dbSNP rs2548786751, ClinGen allele CA386657263.
Genomic context (GRCh38, chr12:109,808,409, plus strand): 5'-AGCCCGTCCAGGTCAGCAGTGGAGCCCCGGGACACGATGTCAAAGAGGATAGGCCGGTTG[A>T]AGACTTTGAGGATGGGGGGCGGCTGAGGGGCAGGGGCTTTGGGGCTCTGCGGCTGCTTCC-3'
Protein context (NP_067638.3, residues 139-159): APQPPPILKV[Phe149Tyr]NRPILFDIVS

ClinVar aggregate classification (germline): Uncertain significance (1 of 4 stars; one submission).

Conditions:
Charcot-Marie-Tooth disease axonal type 2C (HMSN2C). Also called: CHARCOT-MARIE-TOOTH DISEASE, AXONAL, AUTOSOMAL DOMINANT, TYPE 2C; Charcot-Marie-Tooth Neuropathy Type 2C; Charcot-Marie-Tooth Disease Type 2, TRPV4-Related (CMT2C). Identifiers: Orphanet 99937, MedGen C1853710, MONDO:0011633, OMIM 606071.

Submission:

Labcorp Genetics (formerly Invitae), Labcorp
Classification: Uncertain significance for Charcot-Marie-Tooth disease axonal type 2C. Last evaluated: 2023-10-28. Review status: criteria provided, single submitter. Criteria: Invitae Variant Classification Sherloc (09022015). Collection method: clinical testing. Allele origin: germline.
Comment: This sequence change replaces phenylalanine, which is neutral and non-polar, with tyrosine, which is neutral and polar, at codon 149 of the TRPV4 protein (p.Phe149Tyr). This variant is not present in population databases (gnomAD no frequency). This variant has not been reported in the literature in individuals affected with TRPV4-related conditions. Advanced modeling of protein sequence and biophysical properties (such as structural, functional, and spatial information, amino acid conservation, physicochemical variation, residue mobility, and thermodynamic stability) performed at Invitae indicates that this missense variant is not expected to disrupt TRPV4 protein function with a negative predictive value of 95%. In summary, the available evidence is currently insufficient to determine the role of this variant in disease. Therefore, it has been classified as a Variant of Uncertain Significance.